The following is an entry in ClinVar:

NM_000553.6(WRN):c.3459+3A>G

Gene: WRN (WRN RecQ like helicase; plus strand). Cytogenetic location: 8p12.
Variant type: single nucleotide variant.
Coding change: c.3459+3A>G on transcript NM_000553.6 (MANE Select); 3 bases into the intron after coding-DNA position 3459, A replaced by G.
Molecular consequence: intron variant.
Genome position (GRCh38, 1-based): chr8:31,147,131, A>G. VCF-style: chr8-31147131-A-G. GRCh37 (hg19) VCF-style: chr8-31004647-A-G.
Identifiers: ClinVar variation 1497630 (VCV001497630.6), dbSNP rs2130439428, ClinGen allele CA2573142764.

ClinVar aggregate classification (germline): Uncertain significance (1 of 4 stars; one submission).

Conditions:
Werner syndrome (WRN). Identifiers: Orphanet 902, MedGen C0043119, MONDO:0010196, OMIM 277700.

Submission:

Labcorp Genetics (formerly Invitae), Labcorp
Classification: Uncertain significance for Werner syndrome. Last evaluated: 2021-11-25. Review status: criteria provided, single submitter. Criteria: Invitae Variant Classification Sherloc (09022015). Collection method: clinical testing. Allele origin: germline.
Comment: This sequence change falls in intron 29 of the WRN gene. It does not directly change the encoded amino acid sequence of the WRN protein. It affects a nucleotide within the consensus splice site. This variant is not present in population databases (gnomAD no frequency). This variant has not been reported in the literature in individuals affected with WRN-related conditions. Variants that disrupt the consensus splice site are a relatively common cause of aberrant splicing (PMID: 17576681, 9536098). Algorithms developed to predict the effect of sequence changes on RNA splicing suggest that this variant is not likely to affect RNA splicing. In summary, the available evidence is currently insufficient to determine the role of this variant in disease. Therefore, it has been classified as a Variant of Uncertain Significance.

Literature cited by the submitters: PubMed 17576681; PubMed 9536098.